The following is an entry in ClinVar:

ClinVar aggregate classification (germline): Uncertain significance (1 of 4 stars; one submission).

Conditions:
Acute myeloid leukemia (AML). Also called: Leukemia, acute myeloid, somatic; Leukemia, acute myelogenous, somatic; Acute myeloid leukemia, adult; AML adult; Acute non-lymphocytic leukemia; Acute granulocytic leukemia. Identifiers: Orphanet 519, MedGen C0023467, MeSH D015470, MONDO:0018874, OMIM 601626, HP:0004808. Disease mechanism: Constitutively activated FLT3.

Submission:

Labcorp Genetics (formerly Invitae), Labcorp
Classification: Uncertain significance for Acute myeloid leukemia. Last evaluated: 2021-10-23. Review status: criteria provided, single submitter. Criteria: Invitae Variant Classification Sherloc (09022015). Collection method: clinical testing. Allele origin: germline.
Comment: This sequence change replaces arginine with tryptophan at codon 288 of the CEBPA protein (p.Arg288Trp). The arginine residue is highly conserved and there is a moderate physicochemical difference between arginine and tryptophan. This variant is not present in population databases (ExAC no frequency). This variant has not been reported in the literature in individuals affected with CEBPA-related conditions. Algorithms developed to predict the effect of missense changes on protein structure and function (SIFT, PolyPhen-2, Align-GVGD) all suggest that this variant is likely to be disruptive. In summary, the available evidence is currently insufficient to determine the role of this variant in disease. Therefore, it has been classified as a Variant of Uncertain Significance.

NM_004364.5(CEBPA):c.862C>T (p.Arg288Trp)

Gene: CEBPA (CCAAT enhancer binding protein alpha; minus strand). Cytogenetic location: 19q13.11.
Variant type: single nucleotide variant.
Coding change: c.862C>T on transcript NM_004364.5 (MANE Select); coding-DNA position 862, C replaced by T.
Protein change: p.Arg288Trp; replaces arginine 288 with tryptophan.
Molecular consequence: missense variant.
Genome position (GRCh38, 1-based): chr19:33,301,553, G>A on the plus strand (C>T on the coding strand, the complement: CEBPA is on the minus strand). VCF-style: chr19-33301553-G-A. GRCh37 (hg19) VCF-style: chr19-33792459-G-A.
Other names: c.505C>T, p.Arg169Trp (NM_001285829.2); c.967C>T, p.Arg323Trp (NM_001287424.2); c.820C>T, p.Arg274Trp (NM_001287435.2); short protein forms R323W, R288W, R169W, R274W.
Identifiers: ClinVar variation 1468327 (VCV001468327.6), dbSNP rs971619935, ClinGen allele CA405274052.